The following is an entry in ClinVar:

ClinVar aggregate classification (germline): Pathogenic (1 of 4 stars; one submission).

Conditions:
Cystic fibrosis (CF). Also called: MUCOVISCIDOSIS. Identifiers: Orphanet 586, MedGen C0010674, MONDO:0009061, OMIM 219700. Disease mechanism: loss of function.
CFTR-related disorder (CFTR-RD). Also called: CFTR-related disorders; CFTR-related condition. Identifiers: MedGen C5924204, MONDO:7770004.

Submission:

CFTR-France
Classification: Pathogenic for cystic fibrosis; CFTR-related disorders. Last evaluated: 2018-01-29. Review status: criteria provided, single submitter. Criteria: Claustres M et al. (Hum Mutat 2017). Collection method: curation. Allele origin: germline. Affected: yes.
Comment: the variant causes a phenotype but regarding our data, we can't formally attribute it to CF, CFTR-RD or both

NM_000492.4(CFTR):c.671del (p.Phe224fs)

Gene: CFTR (CF transmembrane conductance regulator; plus strand). Cytogenetic location: 7q31.2.
Variant type: Deletion.
Coding change: c.671del on transcript NM_000492.4 (MANE Select); coding-DNA position 671, one base deleted (T; older notation c.671delT).
Protein change: p.Phe224fs; shifts the reading frame from phenylalanine 224.
Molecular consequence: frameshift variant.
Genome position (GRCh38, 1-based): chr7:117,535,339, T deleted; the last of 2 consecutive T bases (chr7:117,535,338-117,535,339); deleting either gives the same sequence. VCF-style (leftmost placement, unchanged base first): chr7-117535337-CT-C. GRCh37 (hg19) VCF-style: chr7-117175391-CT-C.
Other names: short protein forms F224fs.
Identifiers: ClinVar variation 818152 (VCV000818152.1), dbSNP rs769693190, ClinGen allele CA4450798.